The following is an entry in ClinVar:

NM_000137.4(FAH):c.740T>G (p.Leu247Arg)

Gene: FAH (fumarylacetoacetate hydrolase; plus strand). Cytogenetic location: 15q25.1.
Variant type: single nucleotide variant.
Coding change: c.740T>G on transcript NM_000137.4 (MANE Select); coding-DNA position 740, T replaced by G.
Protein change: p.Leu247Arg; replaces leucine 247 with arginine.
Molecular consequence: missense variant.
Genome position (GRCh38, 1-based): chr15:80,173,047, T>G. VCF-style: chr15-80173047-T-G. GRCh37 (hg19) VCF-style: chr15-80465389-T-G.
Other names: c.740T>G, p.Leu247Arg (NM_001374377.1, NM_001374380.1); short protein forms L247R.
Identifiers: ClinVar variation 2444326 (VCV002444326.1), dbSNP rs2505854896, ClinGen allele CA393620710.

ClinVar aggregate classification (germline): Uncertain significance (1 of 4 stars; one submission).

Conditions:
Tyrosinemia type I (TYRSN1). Also called: Tyrosinemia type 1; Fumarylacetoacetase deficiency; Deficiency of fumarylacetoacetase; HEPATORENAL TYROSINEMIA; FAH DEFICIENCY. Identifiers: Orphanet 882, MedGen C0268490, MONDO:0010161, OMIM 276700. Disease mechanism: loss of function.

Submission:

3billion
Classification: Uncertain significance for Tyrosinemia type I. Last evaluated: 2023-02-23. Review status: criteria provided, single submitter. Criteria: ACMG Guidelines, 2015. Collection method: clinical testing. Allele origin: unknown. Affected: yes.
Comment: The variant is not observed in the gnomAD v2.1.1 dataset. The variant is in trans with the other variant. In silico tool predictions suggest damaging effect of the variant on gene or gene product (REVEL: 0.85; 3Cnet: 0.93). Therefore, this variant is classified as VUS according to the recommendation of ACMG/AMP guideline.